The following is an entry in ClinVar:

ClinVar aggregate classification (germline): Likely benign (1 of 4 stars; one submission).

Submission:

CeGaT Center for Human Genetics Tuebingen
Classification: Likely benign. Last evaluated: 2025-07-01. Review status: criteria provided, single submitter. Criteria: CeGaT Center For Human Genetics Tuebingen Variant Classification Criteria Version 2. Collection method: clinical testing. Allele origin: germline. Affected: yes. Observed: 1 variant allele.
Comment: TOE1: BP4, BP7

NM_025077.4(TOE1):c.636A>T (p.Gly212=)

Gene: TOE1 (target of EGR1, exonuclease; plus strand). Cytogenetic location: 1p34.1.
Variant type: single nucleotide variant.
Coding change: c.636A>T on transcript NM_025077.4 (MANE Select); coding-DNA position 636, A replaced by T.
Protein change: p.Gly212=; no amino-acid change (glycine 212 retained).
Molecular consequence: synonymous variant.
Genome position (GRCh38, 1-based): chr1:45,342,527, A>T. VCF-style: chr1-45342527-A-T. GRCh37 (hg19) VCF-style: chr1-45808199-A-T.
Identifiers: ClinVar variation 4084738 (VCV004084738.8).